The following is an entry in ClinVar:

ClinVar aggregate classification (germline): Uncertain significance (1 of 4 stars; one submission).

Submission:

Labcorp Genetics (formerly Invitae), Labcorp
Classification: Uncertain significance. Last evaluated: 2021-10-11. Review status: criteria provided, single submitter. Criteria: Invitae Variant Classification Sherloc (09022015). Collection method: clinical testing. Allele origin: germline.
Comment: This sequence change replaces aspartic acid with alanine at codon 30 of the MAFB protein (p.Asp30Ala). The aspartic acid residue is moderately conserved and there is a moderate physicochemical difference between aspartic acid and alanine. In summary, the available evidence is currently insufficient to determine the role of this variant in disease. Therefore, it has been classified as a Variant of Uncertain Significance. Algorithms developed to predict the effect of missense changes on protein structure and function (SIFT, PolyPhen-2, Align-GVGD) all suggest that this variant is likely to be tolerated. This variant has not been reported in the literature in individuals affected with MAFB-related conditions. This variant is not present in population databases (ExAC no frequency).

NM_005461.5(MAFB):c.89A>C (p.Asp30Ala)

Gene: MAFB (MAF bZIP transcription factor B; minus strand). Cytogenetic location: 20q12.
Variant type: single nucleotide variant.
Coding change: c.89A>C on transcript NM_005461.5 (MANE Select); coding-DNA position 89, A replaced by C.
Protein change: p.Asp30Ala; replaces aspartic acid 30 with alanine.
Molecular consequence: missense variant.
Genome position (GRCh38, 1-based): chr20:40,688,762, T>G on the plus strand (A>C on the coding strand, the complement: MAFB is on the minus strand). VCF-style: chr20-40688762-T-G. GRCh37 (hg19) VCF-style: chr20-39317402-T-G.
Other names: short protein forms D30A.
Identifiers: ClinVar variation 1482400 (VCV001482400.6), dbSNP rs2123044383, ClinGen allele CA408941908.